The following is an entry in ClinVar:

ClinVar aggregate classification (germline): Uncertain significance (1 of 4 stars; one submission).

Allele frequency attached by ClinVar (database versions not stated): gnomAD exomes 0.00001; ExAC 0.00002; TOPMed 0.00002.
gnomAD v4.1: 15 of 1,614,122 alleles (0.00093%); highest among the groups gnomAD compares: Middle Eastern, 0.017%; no homozygotes.

Submission:

Labcorp Genetics (formerly Invitae), Labcorp
Classification: Uncertain significance. Last evaluated: 2022-07-02. Review status: criteria provided, single submitter. Criteria: Invitae Variant Classification Sherloc (09022015). Collection method: clinical testing. Allele origin: germline.
Comment: In summary, the available evidence is currently insufficient to determine the role of this variant in disease. Therefore, it has been classified as a Variant of Uncertain Significance. Algorithms developed to predict the effect of sequence changes on RNA splicing suggest that this variant may disrupt the consensus splice site. This variant has not been reported in the literature in individuals affected with ALDH6A1-related conditions. This variant is present in population databases (rs768819153, gnomAD 0.006%). This sequence change affects a donor splice site in intron 5 of the ALDH6A1 gene. It is expected to disrupt RNA splicing. Variants that disrupt the donor or acceptor splice site typically lead to a loss of protein function (PMID: 16199547), however the current clinical and genetic evidence is not sufficient to establish whether loss-of-function variants in ALDH6A1 cause disease.

Literature cited by the submitters: PubMed 16199547.

NM_005589.4(ALDH6A1):c.427+1G>A

Genes: ALDH6A1 (aldehyde dehydrogenase 6 family member A1; minus strand), BBOF1 (basal body orientation factor 1; plus strand). Cytogenetic location: 14q24.3.
Variant type: single nucleotide variant.
Coding change: c.427+1G>A on transcript NM_005589.4 (MANE Select); the canonical splice donor site of the intron after coding-DNA position 427, G replaced by A.
Molecular consequence: splice donor variant.
Genome position (GRCh38, 1-based): chr14:74,071,895, C>T on the plus strand (G>A on the coding strand, the complement: ALDH6A1 is on the minus strand). VCF-style: chr14-74071895-C-T. GRCh37 (hg19) VCF-style: chr14-74538598-C-T.
Other names: c.388+1G>A (NM_001278593.2); c.-199+1G>A (NM_001278594.2).
Identifiers: ClinVar variation 2190766 (VCV002190766.4), dbSNP rs768819153, ClinGen allele CA7265856.
Genomic context (GRCh38, chr14:74,071,895, plus strand): 5'-TCTTTGCCTCCCATCTTCCTTTGGTCCTTCCCAAAAGTCCCATAAGGGGCTCCCAGCTTA[C>T]GAAGGCCTCGAAATACATCTCCTTCAGCATCAGCTAGGGTCTTCCCTTGTTCCAATGTGA-3'